The following is an entry in ClinVar:

NM_024529.5(CDC73):c.1189T>C (p.Cys397Arg)

Gene: CDC73 (cell division cycle 73; plus strand). Cytogenetic location: 1q31.2.
Variant type: single nucleotide variant.
Coding change: c.1189T>C on transcript NM_024529.5 (MANE Select); coding-DNA position 1189, T replaced by C.
Protein change: p.Cys397Arg; replaces cysteine 397 with arginine.
Molecular consequence: missense variant.
Genome position (GRCh38, 1-based): chr1:193,233,027, T>C. VCF-style: chr1-193233027-T-C. GRCh37 (hg19) VCF-style: chr1-193202157-T-C.
Other names: short protein forms C397R.
Identifiers: ClinVar variation 2450591 (VCV002450591.2), dbSNP rs2527493772, ClinGen allele CA344077785.
Genomic context (GRCh38, chr1:193,233,027, plus strand): 5'-TTTTTCTCATCTCTGTTTTTTCAAAGATTTGTCCCATCAGATGAAAAGAAGAAACAAGGT[T>C]GTCAACGAGAAAATGAAACTCTAATACAAAGAAGAAAAGACCAGATGCAACCAGGGGGCA-3'
Protein context (NP_078805.3, residues 387-407): VPSDEKKKQG[Cys397Arg]QRENETLIQR

ClinVar aggregate classification (germline): Uncertain significance (1 of 4 stars; one submission).

Conditions:
Hereditary cancer-predisposing syndrome. Also called: Neoplastic Syndromes, Hereditary; Tumor predisposition; Hereditary neoplastic syndrome; Hereditary Cancer Syndrome. Identifiers: Orphanet 140162, MedGen C0027672, MeSH D009386, MONDO:0015356.

Submission:

Ambry Genetics
Classification: Uncertain significance for Hereditary cancer-predisposing syndrome. Last evaluated: 2023-02-24. Review status: criteria provided, single submitter. Criteria: Ambry Variant Classification Scheme 2023. Collection method: clinical testing. Allele origin: germline.
Comment: The p.C397R variant (also known as c.1189T>C), located in coding exon 14 of the CDC73 gene, results from a T to C substitution at nucleotide position 1189. The cysteine at codon 397 is replaced by arginine, an amino acid with highly dissimilar properties. This amino acid position is conserved. In addition, this alteration is predicted to be tolerated by in silico analysis. Since supporting evidence is limited at this time, the clinical significance of this alteration remains unclear.